The following is an entry in ClinVar:

ClinVar aggregate classification (germline): Uncertain significance (1 of 4 stars; one submission).

Conditions:
Familial encephalopathy with neuroserpin inclusion bodies. Also called: ENCEPHALOPATHY, FAMILIAL, WITH COLLINS BODIES. Identifiers: Orphanet 85110, MedGen C1858680, MONDO:0011412, OMIM 604218.

Allele frequency attached by ClinVar (database versions not stated): gnomAD exomes below 0.00001 and 0.00001; ExAC 0.00002.
gnomAD v4.1: 6 of 1,613,486 alleles (0.00037%); highest among the groups gnomAD compares: South Asian, 0.0055%; no homozygotes.

Submission:

Labcorp Genetics (formerly Invitae), Labcorp
Classification: Uncertain significance for Familial encephalopathy with neuroserpin inclusion bodies. Last evaluated: 2024-02-17. Review status: criteria provided, single submitter. Criteria: Invitae Variant Classification Sherloc (09022015). Collection method: clinical testing. Allele origin: germline.
Comment: This sequence change replaces serine, which is neutral and polar, with alanine, which is neutral and non-polar, at codon 232 of the SERPINI1 protein (p.Ser232Ala). This variant is present in population databases (rs749782862, gnomAD 0.006%). This variant has not been reported in the literature in individuals affected with SERPINI1-related conditions. ClinVar contains an entry for this variant (Variation ID: 1501683). Advanced modeling of protein sequence and biophysical properties (such as structural, functional, and spatial information, amino acid conservation, physicochemical variation, residue mobility, and thermodynamic stability) performed at Invitae indicates that this missense variant is not expected to disrupt SERPINI1 protein function with a negative predictive value of 95%. In summary, the available evidence is currently insufficient to determine the role of this variant in disease. Therefore, it has been classified as a Variant of Uncertain Significance.

NM_001122752.2(SERPINI1):c.694T>G (p.Ser232Ala)

Gene: SERPINI1 (serpin family I member 1; plus strand). Cytogenetic location: 3q26.1.
Variant type: single nucleotide variant.
Coding change: c.694T>G on transcript NM_001122752.2 (MANE Select); coding-DNA position 694, T replaced by G.
Protein change: p.Ser232Ala; replaces serine 232 with alanine.
Molecular consequence: missense variant.
Genome position (GRCh38, 1-based): chr3:167,794,637, T>G. VCF-style: chr3-167794637-T-G. GRCh37 (hg19) VCF-style: chr3-167512425-T-G.
Other names: c.694T>G, p.Ser232Ala (NM_005025.5); short protein forms S232A.
Identifiers: ClinVar variation 1501683 (VCV001501683.8), dbSNP rs749782862, ClinGen allele CA2694870.